The following is an entry in ClinVar:

NM_001182.5(ALDH7A1):c.1600C>T (p.Gln534Ter)

Gene: ALDH7A1 (aldehyde dehydrogenase 7 family member A1; minus strand). Cytogenetic location: 5q23.2.
Variant type: single nucleotide variant.
Coding change: c.1600C>T on transcript NM_001182.5 (MANE Select); coding-DNA position 1600, C replaced by T.
Protein change: p.Gln534Ter; replaces glutamine 534 with a stop codon.
Molecular consequence: nonsense.
Genome position (GRCh38, 1-based): chr5:126,544,985, G>A on the plus strand (C>T on the coding strand, the complement: ALDH7A1 is on the minus strand). VCF-style: chr5-126544985-G-A. GRCh37 (hg19) VCF-style: chr5-125880677-G-A.
Other names: c.1516C>T, p.Gln506Ter (NM_001201377.2); c.1408C>T, p.Gln470Ter (NM_001202404.2); short protein forms Q470*, Q506*, Q534*.
Identifiers: ClinVar variation 1334656 (VCV001334656.4), dbSNP rs2112743884, ClinGen allele CA360717640.

ClinVar aggregate classification (germline): Uncertain significance (1 of 4 stars; one submission).

Allele frequency attached by ClinVar (database versions not stated): gnomAD exomes below 0.00001.
gnomAD v4.1: 1 of 1,610,756 alleles (0.000062%); highest among the groups gnomAD compares: Non-Finnish European, 0.000085%; no homozygotes.

Submission:

Greenwood Genetic Center Diagnostic Laboratories, Greenwood Genetic Center
Classification: Uncertain significance. Last evaluated: 2021-11-17. Review status: criteria provided, single submitter. Criteria: ACMG Guidelines, 2015. Collection method: clinical testing. Allele origin: germline. Affected: yes.
Comment: PM2, only